The following is an entry in ClinVar:

NM_001204.7(BMPR2):c.1930A>G (p.Asn644Asp)

Gene: BMPR2 (bone morphogenetic protein receptor type 2; plus strand). Cytogenetic location: 2q33.2.
Variant type: single nucleotide variant.
Coding change: c.1930A>G on transcript NM_001204.7 (MANE Select); coding-DNA position 1930, A replaced by G.
Protein change: p.Asn644Asp; replaces asparagine 644 with aspartic acid.
Molecular consequence: missense variant.
Genome position (GRCh38, 1-based): chr2:202,555,595, A>G. VCF-style: chr2-202555595-A-G. GRCh37 (hg19) VCF-style: chr2-203420318-A-G.
Other names: short protein forms N644D.
Identifiers: ClinVar variation 3481273 (VCV003481273.1).
Genomic context (GRCh38, chr2:202,555,595, plus strand): 5'-ACTGGCATGACTACTATATCTGAGATGCCATACCCAGATGAAACAAATCTGCATACCACA[A>G]ATGTTGCACAGTCAATTGGGCCAACCCCTGTCTGCTTACAGCTGACAGAAGAAGACTTGG-3'
Protein context (NP_001195.2, residues 634-654): YPDETNLHTT[Asn644Asp]VAQSIGPTPV

ClinVar aggregate classification (germline): Uncertain significance (1 of 4 stars; one submission).

Conditions:
Inborn genetic diseases. Identifiers: MedGen C0950123, MeSH D030342.

Submission:

Ambry Genetics
Classification: Uncertain significance for Inborn genetic diseases. Last evaluated: 2024-11-18. Review status: criteria provided, single submitter. Criteria: Ambry Variant Classification Scheme 2023. Collection method: clinical testing. Allele origin: germline.
Comment: The p.N644D variant (also known as c.1930A>G), located in coding exon 12 of the BMPR2 gene, results from an A to G substitution at nucleotide position 1930. The asparagine at codon 644 is replaced by aspartic acid, an amino acid with highly similar properties. This amino acid position is conserved. In addition, this alteration is predicted to be tolerated by in silico analysis. Based on the available evidence, the clinical significance of this variant remains unclear.